The following is an entry in ClinVar:

NM_001171.6(ABCC6):c.2552T>C (p.Leu851Pro)

Gene: ABCC6 (ATP binding cassette subfamily C member 6; minus strand). Cytogenetic location: 16p13.11.
Variant type: single nucleotide variant.
Coding change: c.2552T>C on transcript NM_001171.6 (MANE Select); coding-DNA position 2552, T replaced by C.
Protein change: p.Leu851Pro; replaces leucine 851 with proline.
Molecular consequence: missense variant.
Genome position (GRCh38, 1-based): chr16:16,177,490, A>G on the plus strand (T>C on the coding strand, the complement: ABCC6 is on the minus strand). VCF-style: chr16-16177490-A-G. GRCh37 (hg19) VCF-style: chr16-16271347-A-G.
Other names: c.2210T>C, p.Leu737Pro (NM_001351800.1); short protein forms L851P, L737P.
Identifiers: ClinVar variation 433284 (VCV000433284.5), dbSNP rs72653799, ClinGen allele CA278644208.

ClinVar aggregate classification (germline): Uncertain significance. Review status: criteria provided, single submitter (1 of 4 stars). 2 submissions from 2 submitters: Uncertain significance (1). 1 of the submissions does not count toward it. Last evaluated 2019-04-05.

Conditions:
Autosomal recessive inherited pseudoxanthoma elasticum (PXE). Identifiers: Orphanet 758, MedGen CN032334, MONDO:0009925, OMIM 264800.

Allele frequency attached by ClinVar (database versions not stated): gnomAD exomes 0.00001; TOPMed 0.00001.
gnomAD v4.1: 8 of 1,614,166 alleles (0.0005%); highest among the groups gnomAD compares: East Asian, 0.0045%; no homozygotes.

Submissions (2):

GeneDx
Classification: Uncertain significance. Last evaluated: 2019-04-05. Review status: criteria provided, single submitter. Criteria: GeneDx Variant Classification Process June 2021. Collection method: clinical testing. Allele origin: germline. Affected: yes.
Comment: Not observed in large population cohorts (Lek et al., 2016); In silico analysis, which includes protein predictors and evolutionary conservation, supports a deleterious effect; Observed in unrelated patients with pseudoxanthoma elasticum with another ABCC6 variant or multiple ABCC6 variants in published literature and referred for genetic testing at GeneDx, but it is not known whether the variants occurred on the same (in cis) or on different (in trans) chromosomes (Hendig et al., 2005; Schulz et al., 2006); This variant is associated with the following publications: (PMID: 16835894, 15723264)

PXE International
Classification: Uncertain significance for Autosomal recessive inherited pseudoxanthoma elasticum. Last evaluated: 2021-02-02. Review status: no assertion criteria provided. Collection method: research. Allele origin: germline. Inheritance: Autosomal recessive inheritance. Affected: yes. Not counted in ClinVar's aggregate classification.

Literature cited by the submitters: PubMed 32873932 (cited by PXE International); PubMed 16835894 (cited by PXE International); PubMed 15723264 (cited by PXE International).